The following is an entry in ClinVar:

NM_152703.5(SAMD9L):c.3361G>A (p.Asp1121Asn)

Gene: SAMD9L (sterile alpha motif domain containing 9 like; minus strand). Cytogenetic location: 7q21.2.
Variant type: single nucleotide variant.
Coding change: c.3361G>A on transcript NM_152703.5 (MANE Select); coding-DNA position 3361, G replaced by A.
Protein change: p.Asp1121Asn; replaces aspartic acid 1121 with asparagine.
Molecular consequence: missense variant.
Genome position (GRCh38, 1-based): chr7:93,132,611, C>T on the plus strand (G>A on the coding strand, the complement: SAMD9L is on the minus strand). VCF-style: chr7-93132611-C-T. GRCh37 (hg19) VCF-style: chr7-92761924-C-T.
Other names: c.3361G>A (NM_152703.2); c.3361G>A, p.Asp1121Asn (NM_001303496.3, NM_001303497.3, NM_001303498.3 and 5 more transcripts); short protein forms D1121N.
Identifiers: ClinVar variation 1714242 (VCV001714242.6), dbSNP rs1304801235, ClinGen allele CA368183147.

ClinVar aggregate classification (germline): Uncertain significance. Review status: criteria provided, multiple submitters, no conflicts (2 of 4 stars). 2 submissions from 2 submitters: Uncertain significance (2). Last evaluated 2026-06-06.

Conditions:
Inborn genetic diseases. Identifiers: MedGen C0950123, MeSH D030342.

gnomAD v4.1: 1 of 1,613,630 alleles (0.000062%); highest among the groups gnomAD compares: Non-Finnish European, 0.000085%; no homozygotes.

Submissions (2):

Ambry Genetics
Classification: Uncertain significance for Inborn genetic diseases. Last evaluated: 2026-06-06. Review status: criteria provided, single submitter. Criteria: Ambry Variant Classification Scheme 2023. Collection method: clinical testing. Allele origin: germline.
Comment: The p.D1121N variant (also known as c.3361G>A), located in coding exon 1 of the SAMD9L gene, results from a G to A substitution at nucleotide position 3361. The aspartic acid at codon 1121 is replaced by asparagine, an amino acid with highly similar properties. This amino acid position is conserved. In addition, this alteration is predicted to be tolerated by in silico analysis. Based on the available evidence, the clinical significance of this variant remains unclear.

Labcorp Genetics (formerly Invitae), Labcorp
Classification: Uncertain significance. Last evaluated: 2022-11-08. Review status: criteria provided, single submitter. Criteria: Invitae Variant Classification Sherloc (09022015). Collection method: clinical testing. Allele origin: germline.
Comment: This sequence change replaces aspartic acid, which is acidic and polar, with asparagine, which is neutral and polar, at codon 1121 of the SAMD9L protein (p.Asp1121Asn). This variant is not present in population databases (gnomAD no frequency). This variant has not been reported in the literature in individuals affected with SAMD9L-related conditions. Advanced modeling of protein sequence and biophysical properties (such as structural, functional, and spatial information, amino acid conservation, physicochemical variation, residue mobility, and thermodynamic stability) performed at Invitae indicates that this missense variant is not expected to disrupt SAMD9L protein function. In summary, the available evidence is currently insufficient to determine the role of this variant in disease. Therefore, it has been classified as a Variant of Uncertain Significance.